The following is an entry in ClinVar:

NM_001369.3(DNAH5):c.12499+2T>G

Gene: DNAH5 (dynein axonemal heavy chain 5; minus strand). Cytogenetic location: 5p15.2.
Variant type: single nucleotide variant.
Coding change: c.12499+2T>G on transcript NM_001369.3 (MANE Select); the canonical splice donor site of the intron after coding-DNA position 12499, T replaced by G.
Molecular consequence: splice donor variant.
Genome position (GRCh38, 1-based): chr5:13,718,880, A>C on the plus strand (T>G on the coding strand, the complement: DNAH5 is on the minus strand). VCF-style: chr5-13718880-A-C. GRCh37 (hg19) VCF-style: chr5-13718989-A-C.
Identifiers: ClinVar variation 573364 (VCV000573364.7), dbSNP rs1484826593, ClinGen allele CA359208717.

ClinVar aggregate classification (germline): Likely pathogenic (1 of 4 stars; one submission).

Conditions:
Primary ciliary dyskinesia. Also called: Ciliary dyskinesia. Identifiers: Orphanet 244, MedGen C0008780, MONDO:0016575, HP:0012265.

Submission:

Labcorp Genetics (formerly Invitae), Labcorp
Classification: Likely pathogenic for Primary ciliary dyskinesia. Last evaluated: 2022-07-12. Review status: criteria provided, single submitter. Criteria: Invitae Variant Classification Sherloc (09022015). Collection method: clinical testing. Allele origin: germline.
Comment: This variant is not present in population databases (gnomAD no frequency). This variant has not been reported in the literature in individuals affected with DNAH5-related conditions. ClinVar contains an entry for this variant (Variation ID: 573364). Algorithms developed to predict the effect of sequence changes on RNA splicing suggest that this variant may disrupt the consensus splice site. In summary, the currently available evidence indicates that the variant is pathogenic, but additional data are needed to prove that conclusively. Therefore, this variant has been classified as Likely Pathogenic. This sequence change affects a donor splice site in intron 72 of the DNAH5 gene. It is expected to disrupt RNA splicing. Variants that disrupt the donor or acceptor splice site typically lead to a loss of protein function (PMID: 16199547), and loss-of-function variants in DNAH5 are known to be pathogenic (PMID: 11788826, 16627867).

Literature cited by the submitters: PubMed 16199547; PubMed 11788826; PubMed 16627867.